The following is an entry in ClinVar:

NM_017534.6(MYH2):c.2398G>C (p.Gly800Arg)

Genes: MYH2 (myosin heavy chain 2; minus strand), MYHAS (myosin heavy chain gene cluster antisense RNA; plus strand). Cytogenetic location: 17p13.1.
Variant type: single nucleotide variant.
Coding change: c.2398G>C on transcript NM_017534.6 (MANE Select); coding-DNA position 2398, G replaced by C.
Protein change: p.Gly800Arg; replaces glycine 800 with arginine.
Molecular consequence: missense variant.
Genome position (GRCh38, 1-based): chr17:10,533,328, C>G on the plus strand (G>C on the coding strand, the complement: MYH2 is on the minus strand). VCF-style: chr17-10533328-C-G. GRCh37 (hg19) VCF-style: chr17-10436645-C-G.
Other names: c.2398G>C, p.Gly800Arg (NM_001100112.2); short protein forms G800R.
Identifiers: ClinVar variation 2899721 (VCV002899721.3), dbSNP rs766702700, ClinGen allele CA287742309.
Genomic context (GRCh38, chr17:10,533,328, plus strand): 5'-AAACATATTTTTTATACCTTCTCTCCACCATCCTCTGGTACTCCACTCTTGCCAAGAACC[C>G]TCTGCACCTGGCCTGGGTTCGGGTAATCAGCTGGGCCAGCTTGTCATCTCGCATCTCCTC-3'
Protein context (NP_060004.3, residues 790-810): LITRTQARCR[Gly800Arg]FLARVEYQRM

ClinVar aggregate classification (germline): Uncertain significance (1 of 4 stars; one submission).

Conditions:
Myopathy, proximal, and ophthalmoplegia (CMYO6). Also called: INCLUSION BODY MYOPATHY 3, AUTOSOMAL DOMINANT; MYOPATHY WITH CONGENITAL JOINT CONTRACTURES, OPHTHALMOPLEGIA, AND RIMMED VACUOLES; CONGENITAL MYOPATHY 6 WITH OPHTHALMOPLEGIA. Identifiers: Orphanet 363677, Orphanet 79091, MedGen C1854106, MONDO:0011577, OMIM 605637.

gnomAD v4.1: 18 of 1,614,220 alleles (0.0011%); highest among the groups gnomAD compares: Non-Finnish European, 0.0015%; no homozygotes.

Submission:

Labcorp Genetics (formerly Invitae), Labcorp
Classification: Uncertain significance for Myopathy, proximal, and ophthalmoplegia. Last evaluated: 2025-04-14. Review status: criteria provided, single submitter. Criteria: Invitae Variant Classification Sherloc (09022015). Collection method: clinical testing. Allele origin: germline.
Comment: This sequence change replaces glycine, which is neutral and non-polar, with arginine, which is basic and polar, at codon 800 of the MYH2 protein (p.Gly800Arg). This variant is not present in population databases (gnomAD no frequency). This variant has not been reported in the literature in individuals affected with MYH2-related conditions. ClinVar contains an entry for this variant (Variation ID: 2899721). Invitae Evidence Modeling of protein sequence and biophysical properties (such as structural, functional, and spatial information, amino acid conservation, physicochemical variation, residue mobility, and thermodynamic stability) indicates that this missense variant is expected to disrupt MYH2 protein function with a positive predictive value of 80%. In summary, the available evidence is currently insufficient to determine the role of this variant in disease. Therefore, it has been classified as a Variant of Uncertain Significance.